The following is an entry in ClinVar:

ClinVar aggregate classification (germline): Benign/Likely benign. Review status: criteria provided, multiple submitters, no conflicts (2 of 4 stars). 3 submissions from 3 submitters: Benign (1); Likely benign (2). Last evaluated 2026-07-01.

Allele frequency attached by ClinVar (database versions not stated): gnomAD exomes 0.00014 and 0.00035; ExAC 0.00045; gnomAD 0.00124 and 0.00132; TOPMed 0.00151; 1000 Genomes Project 0.00160; 1000 Genomes Project 30x 0.00172; ESP Exome Variant Server 0.00192.

Submissions (3):

CeGaT Center for Human Genetics Tuebingen
Classification: Likely benign. Last evaluated: 2026-07-01. Review status: criteria provided, single submitter. Criteria: CeGaT Center For Human Genetics Tuebingen Variant Classification Criteria Version 2. Collection method: clinical testing. Allele origin: germline. Affected: yes. Observed: 1 variant allele.
Comment: TAOK1: BP4, BP7, BS1

Blueprint Genetics
Classification: Likely benign. Last evaluated: 2024-11-11. Review status: criteria provided, single submitter. Criteria: ACMG Guidelines, 2015. Collection method: clinical testing. Allele origin: germline.

Labcorp Genetics (formerly Invitae), Labcorp
Classification: Benign. Last evaluated: 2018-05-30. Review status: criteria provided, single submitter. Criteria: Invitae Variant Classification Sherloc (09022015). Collection method: clinical testing. Allele origin: germline.

NM_020791.4(TAOK1):c.2496C>T (p.Arg832=)

Gene: TAOK1 (TAO kinase 1; plus strand). Cytogenetic location: 17q11.2.
Variant type: single nucleotide variant.
Coding change: c.2496C>T on transcript NM_020791.4 (MANE Select); coding-DNA position 2496, C replaced by T.
Protein change: p.Arg832=; no amino-acid change (arginine 832 retained).
Molecular consequence: synonymous variant.
Genome position (GRCh38, 1-based): chr17:29,534,252, C>T. VCF-style: chr17-29534252-C-T. GRCh37 (hg19) VCF-style: chr17-27861270-C-T.
Other names: c.2052C>T, p.Arg684= (NM_025142.1).
Identifiers: ClinVar variation 743113 (VCV000743113.5), dbSNP rs150758509, ClinGen allele CA8474871.